The following is an entry in ClinVar:

ClinVar aggregate classification (germline): Uncertain significance (1 of 4 stars; one submission).

Conditions:
Carney complex, type 1 (CNC1). Also called: CARNEY MYXOMA-ENDOCRINE COMPLEX; CARNEY COMPLEX, TYPE I. Identifiers: Orphanet 1359, MedGen C2607929, MONDO:0008057, OMIM 160980.

Submission:

Labcorp Genetics (formerly Invitae), Labcorp
Classification: Uncertain significance for Carney complex, type 1. Last evaluated: 2024-04-10. Review status: criteria provided, single submitter. Criteria: Invitae Variant Classification Sherloc (09022015). Collection method: clinical testing. Allele origin: germline.
Comment: This variant occurs in a non-coding region of the PRKAR1A gene. It does not change the encoded amino acid sequence of the PRKAR1A protein. This variant is not present in population databases (gnomAD no frequency). This variant has not been reported in the literature in individuals affected with PRKAR1A-related conditions. ClinVar contains an entry for this variant (Variation ID: 2097817). In summary, the available evidence is currently insufficient to determine the role of this variant in disease. Therefore, it has been classified as a Variant of Uncertain Significance.

NM_002734.5(PRKAR1A):c.-11C>G

Gene: PRKAR1A (protein kinase cAMP-dependent type I regulatory subunit alpha; plus strand). Cytogenetic location: 17q24.2.
Variant type: single nucleotide variant.
Coding change: c.-11C>G on transcript NM_002734.5 (MANE Select); 11 bases upstream of the start codon, C replaced by G.
Molecular consequence: 5 prime UTR variant. On other transcripts: intron variant (3).
Genome position (GRCh38, 1-based): chr17:68,512,544, C>G. VCF-style: chr17-68512544-C-G. GRCh37 (hg19) VCF-style: chr17-66508685-C-G.
Other names: c.-144C>G (NM_001276289.2); c.-42C>G (NM_212472.2); c.-6-2850C>G (NM_001278433.2); c.-140+402C>G (NM_001369389.1); c.-7+402C>G (NM_212471.3).
Identifiers: ClinVar variation 2097817 (VCV002097817.4), dbSNP rs1021510770, ClinGen allele CA2580095021.